The following is an entry in ClinVar:

ClinVar aggregate classification (germline): Likely benign. Review status: criteria provided, multiple submitters, no conflicts (2 of 4 stars). 3 submissions from 3 submitters: Likely benign (3). Last evaluated 2025-01-14.

Allele frequency attached by ClinVar (database versions not stated): gnomAD 0.00005; TOPMed 0.00005; gnomAD exomes 0.00016.
gnomAD v4.1: 201 of 1,395,892 alleles (0.014%); highest among the groups gnomAD compares: Non-Finnish European, 0.018%; no homozygotes.

Submissions (3):

Labcorp Genetics (formerly Invitae), Labcorp
Classification: Likely benign. Last evaluated: 2025-01-14. Review status: criteria provided, single submitter. Criteria: Invitae Variant Classification Sherloc (09022015). Collection method: clinical testing. Allele origin: germline.

Blueprint Genetics
Classification: Likely benign. Last evaluated: 2024-11-18. Review status: criteria provided, single submitter. Criteria: ACMG Guidelines, 2015. Collection method: clinical testing. Allele origin: germline.

CeGaT Center for Human Genetics Tuebingen
Classification: Likely benign. Last evaluated: 2024-01-01. Review status: criteria provided, single submitter. Criteria: CeGaT Center For Human Genetics Tuebingen Variant Classification Criteria Version 2. Collection method: clinical testing. Allele origin: germline. Affected: yes. Observed: 1 variant allele.
Comment: CACNA1B: BP4, BP7

NM_000718.4(CACNA1B):c.2631G>A (p.Gly877=)

Gene: CACNA1B (calcium voltage-gated channel subunit alpha1 B; plus strand). Cytogenetic location: 9q34.3.
Variant type: single nucleotide variant.
Coding change: c.2631G>A on transcript NM_000718.4 (MANE Select); coding-DNA position 2631, G replaced by A.
Protein change: p.Gly877=; no amino-acid change (glycine 877 retained).
Molecular consequence: synonymous variant.
Genome position (GRCh38, 1-based): chr9:138,023,374, G>A. VCF-style: chr9-138023374-G-A. GRCh37 (hg19) VCF-style: chr9-140917826-G-A.
Other names: c.2631G>A, p.Gly877= (NM_001243812.2).
Identifiers: ClinVar variation 1959703 (VCV001959703.28), dbSNP rs1440650356, ClinGen allele CA468162433.